The following is an entry in ClinVar:

ClinVar aggregate classification (germline): Likely pathogenic (1 of 4 stars; one submission).

Submission:

GeneDx
Classification: Likely pathogenic. Last evaluated: 2020-02-27. Review status: criteria provided, single submitter. Criteria: GeneDx Variant Classification Process June 2021. Collection method: clinical testing. Allele origin: germline. Affected: yes.
Comment: Frameshift variant in the C-terminus predicted to result in protein truncation, as the last 75 amino acids are lost and replaced with 20 incorrect amino acids; Not observed in large population cohorts (Lek et al., 2016); Has not been previously published as pathogenic or benign to our knowledge

NM_130839.5(UBE3A):c.2391del (p.Glu797fs)

Genes: SNHG14 (small nucleolar RNA host gene 14; plus strand), UBE3A (ubiquitin protein ligase E3A; minus strand). Cytogenetic location: 15q11.2.
Variant type: Deletion.
Coding change: c.2391del on transcript NM_130839.5 (MANE Select); coding-DNA position 2391, one base deleted (A; older notation c.2391delA).
Protein change: p.Glu797fs; shifts the reading frame from glutamic acid 797.
Molecular consequence: frameshift variant. On other transcripts: non-coding transcript variant (1).
Genome position (GRCh38, 1-based): chr15:25,340,192, T deleted on the plus strand (A on the coding strand, the reverse complement: UBE3A is on the minus strand); the first of 2 consecutive T bases (chr15:25,340,192-25,340,193); deleting either gives the same sequence. VCF-style (leftmost placement, unchanged base first): chr15-25340191-GT-G. GRCh37 (hg19) VCF-style: chr15-25585338-GT-G.
Other names: c.2400del, p.Glu800fs (NM_000462.5); c.2391del, p.Glu797fs (NM_001354505.1, NM_001354538.2); c.2331del, p.Glu777fs (NM_001354506.2, NM_001354507.2, NM_001354508.2 and 14 more transcripts); c.2235del, p.Glu745fs (NM_001354545.2); c.2214del, p.Glu738fs (NM_001354546.2); c.2175del, p.Glu725fs (NM_001354547.2, NM_001354548.2); c.2166del, p.Glu722fs (NM_001354549.2); c.1140del, p.Glu380fs (NM_001354550.2); and 2 more; short protein forms E380fs, E777fs, E800fs, E360fs, E722fs, E725fs, E738fs, E745fs.
Identifiers: ClinVar variation 817467 (VCV000817467.2), dbSNP rs1595376260, ClinGen allele CA915946471.